The following is an entry in ClinVar:

ClinVar aggregate classification (germline): Uncertain significance (1 of 4 stars; one submission).

Conditions:
NPHP4-related disorder. Also called: NPHP4-related disorders; NPHP4-related condition. Identifiers: MedGen CN239384.

gnomAD v4.1: 1 of 1,534,638 alleles (0.000065%); no homozygotes.

Submission:

PreventionGenetics, part of Exact Sciences
Classification: Uncertain significance for NPHP4-related condition. Last evaluated: 2025-08-18. Review status: criteria provided, single submitter. Criteria: ACMG Guidelines, 2015. Collection method: clinical testing. Allele origin: germline.
Comment: The NPHP4 c.1302G>A variant is not predicted to result in an amino acid change (p.=). This variant is located in the last codon of exon 10 and is predicted to alter splicing based on available splicing prediction programs (SpliceAI, Jaganathan et al. 2019. PubMed ID: 30661751). However, the use of computer prediction programs is not equivalent to functional evidence. To our knowledge, this variant has not been reported in the literature or in a large population database (gnomAD), indicating this variant is rare. At this time, the clinical significance of this variant is uncertain due to the absence of conclusive functional and genetic evidence.

NM_015102.5(NPHP4):c.1302G>A (p.Glu434=)

Gene: NPHP4 (nephrocystin 4; minus strand). Cytogenetic location: 1p36.31.
Variant type: single nucleotide variant.
Coding change: c.1302G>A on transcript NM_015102.5 (MANE Select); coding-DNA position 1302, G replaced by A.
Protein change: p.Glu434=; no amino-acid change (glutamic acid 434 retained).
Molecular consequence: synonymous variant. On other transcripts: 5 prime UTR variant (2), non-coding transcript variant (1).
Genome position (GRCh38, 1-based): chr1:5,933,147, C>T on the plus strand (G>A on the coding strand, the complement: NPHP4 is on the minus strand). VCF-style: chr1-5933147-C-T. GRCh37 (hg19) VCF-style: chr1-5993207-C-T.
Other names: c.-65G>A (NM_001291593.2, NM_001291594.2).
Identifiers: ClinVar variation 4994978 (VCV004994978.1).